The following is an entry in ClinVar:

NM_015354.3(NUP188):c.592C>A (p.Arg198Ser)

Gene: NUP188 (nucleoporin 188; plus strand). Cytogenetic location: 9q34.11.
Variant type: single nucleotide variant.
Coding change: c.592C>A on transcript NM_015354.3 (MANE Select); coding-DNA position 592, C replaced by A.
Protein change: p.Arg198Ser; replaces arginine 198 with serine.
Molecular consequence: missense variant.
Genome position (GRCh38, 1-based): chr9:128,968,512, C>A. VCF-style: chr9-128968512-C-A. GRCh37 (hg19) VCF-style: chr9-131730791-C-A.
Other names: c.592C>A (NM_015354.1); short protein forms R198S.
Identifiers: ClinVar variation 3038547 (VCV003038547.3), dbSNP rs17507964, ClinGen allele CA5272085.
Genomic context (GRCh38, chr9:128,968,512, plus strand): 5'-CTGTTTTTAATCTCATGTTATTTCTCTCCCATTTTGTTTTCATTGGTTGTACAGACAGAG[C>A]GCCAAGTGTCTCGCTGGTTTGTTCAGTGCCTTCGGGAACAGTCCATGCTGCTAGAAATTA-3'
Protein context (NP_056169.1, residues 188-208): WETHGNLMTE[Arg198Ser]QVSRWFVQCL

ClinVar aggregate classification (germline): Likely benign. Review status: criteria provided, single submitter (1 of 4 stars). 2 submissions from 2 submitters: Likely benign (1). 1 of the submissions does not count toward it. Last evaluated 2023-12-15.

Conditions:
Inborn genetic diseases. Identifiers: MedGen C0950123, MeSH D030342.
NUP188-related disorder. Also called: NUP188-related condition.

Allele frequency attached by ClinVar (database versions not stated): 1000 Genomes Project 0.00100; ESP Exome Variant Server 0.00115; 1000 Genomes Project 30x 0.00125.
gnomAD v4.1: 304 of 1,613,522 alleles (0.019%); highest among the groups gnomAD compares: African/African-American, 0.34%; no homozygotes.

Submissions (2):

Ambry Genetics
Classification: Likely benign for Inborn genetic diseases. Last evaluated: 2023-12-15. Review status: criteria provided, single submitter. Criteria: Ambry Variant Classification Scheme 2023. Collection method: clinical testing. Allele origin: germline.

PreventionGenetics, part of Exact Sciences
Classification: Likely benign for NUP188-related condition. Last evaluated: 2022-06-06. Review status: no assertion criteria provided. Collection method: clinical testing. Allele origin: germline. Not counted in ClinVar's aggregate classification.
Comment: This variant is classified as likely benign based on ACMG/AMP sequence variant interpretation guidelines (Richards et al. 2015 PMID: 25741868, with internal and published modifications).